The following is an entry in ClinVar:

ClinVar aggregate classification (germline): Uncertain significance (1 of 4 stars; one submission).

Conditions:
Immunodeficiency 104. Also called: SCID, AUTOSOMAL RECESSIVE, T CELL-NEGATIVE, B CELL-POSITIVE, NK CELL-POSITIVE; IMMUNODEFICIENCY 104, SEVERE COMBINED; Severe combined immunodeficiency, autosomal recessive, T cell-negative, B cell-positive, NK cell-positive; Severe Combined Immune Deficiency, Autosomal Recessive, TCell -Negative, B Cell-Positive, NK Cell-Positive, IL7R-Related. Identifiers: MedGen C5676890, MONDO:0012163, OMIM 608971.

Allele frequency attached by ClinVar (database versions not stated): gnomAD exomes below 0.00001.
gnomAD v4.1: 2 of 1,612,666 alleles (0.00012%); highest among the groups gnomAD compares: South Asian, 0.0011%; no homozygotes.

Submission:

Labcorp Genetics (formerly Invitae), Labcorp
Classification: Uncertain significance for Immunodeficiency 104. Last evaluated: 2024-06-08. Review status: criteria provided, single submitter. Criteria: Invitae Variant Classification Sherloc (09022015). Collection method: clinical testing. Allele origin: germline.
Comment: This sequence change replaces serine, which is neutral and polar, with asparagine, which is neutral and polar, at codon 1162 of the PTPRC protein (p.Ser1162Asn). This variant is not present in population databases (gnomAD no frequency). This variant has not been reported in the literature in individuals affected with PTPRC-related conditions. ClinVar contains an entry for this variant (Variation ID: 1053047). Algorithms developed to predict the effect of missense changes on protein structure and function output the following: SIFT: "Not Available"; PolyPhen-2: "Benign"; Align-GVGD: "Not Available". The asparagine amino acid residue is found in multiple mammalian species, which suggests that this missense change does not adversely affect protein function. In summary, the available evidence is currently insufficient to determine the role of this variant in disease. Therefore, it has been classified as a Variant of Uncertain Significance.

NM_002838.5(PTPRC):c.3485G>A (p.Ser1162Asn)

Gene: PTPRC (protein tyrosine phosphatase receptor type C; plus strand). Cytogenetic location: 1q32.1.
Variant type: single nucleotide variant.
Coding change: c.3485G>A on transcript NM_002838.5 (MANE Select); coding-DNA position 3485, G replaced by A.
Protein change: p.Ser1162Asn; replaces serine 1162 with asparagine.
Molecular consequence: missense variant.
Genome position (GRCh38, 1-based): chr1:198,752,748, G>A. VCF-style: chr1-198752748-G-A. GRCh37 (hg19) VCF-style: chr1-198721877-G-A.
Other names: c.3002G>A, p.Ser1001Asn (NM_080921.4); short protein forms S1001N, S1162N.
Identifiers: ClinVar variation 1053047 (VCV001053047.9), dbSNP rs2102548671, ClinGen allele CA344054998.